The following is an entry in ClinVar:

ClinVar aggregate classification (germline): Uncertain significance (1 of 4 stars; one submission).

Conditions:
Mendelian susceptibility to mycobacterial diseases due to complete ISG15 deficiency. Also called: Immunodeficiency 38; IMMUNODEFICIENCY 38, MYCOBACTERIOSIS, AUTOSOMAL RECESSIVE; ISG15 DEFICIENCY, AUTOSOMAL RECESSIVE; Immunodeficiency 38 with basal ganglia calcification. Identifiers: Orphanet 319563, MedGen C4015293, MONDO:0014502, OMIM 616126.

Submission:

Labcorp Genetics (formerly Invitae), Labcorp
Classification: Uncertain significance for Mendelian susceptibility to mycobacterial diseases due to complete ISG15 deficiency. Last evaluated: 2023-06-08. Review status: criteria provided, single submitter. Criteria: Invitae Variant Classification Sherloc (09022015). Collection method: clinical testing. Allele origin: germline.
Comment: In summary, the available evidence is currently insufficient to determine the role of this variant in disease. Therefore, it has been classified as a Variant of Uncertain Significance. An algorithm developed to predict the effect of missense changes on protein structure and function (PolyPhen-2) suggests that this variant is likely to be disruptive. ClinVar contains an entry for this variant (Variation ID: 2010869). This variant has not been reported in the literature in individuals affected with ISG15-related conditions. This variant is not present in population databases (gnomAD no frequency). This sequence change replaces glycine, which is neutral and non-polar, with arginine, which is basic and polar, at codon 138 of the ISG15 protein (p.Gly138Arg).

NM_005101.4(ISG15):c.412G>C (p.Gly138Arg)

Gene: ISG15 (ISG15 ubiquitin like modifier; plus strand). Cytogenetic location: 1p36.33.
Variant type: single nucleotide variant.
Coding change: c.412G>C on transcript NM_005101.4 (MANE Select); coding-DNA position 412, G replaced by C.
Protein change: p.Gly138Arg; replaces glycine 138 with arginine.
Molecular consequence: missense variant.
Genome position (GRCh38, 1-based): chr1:1,014,392, G>C. VCF-style: chr1-1014392-G-C. GRCh37 (hg19) VCF-style: chr1-949772-G-C.
Other names: short protein forms G138R.
Identifiers: ClinVar variation 2010869 (VCV002010869.3), dbSNP rs2523128412, ClinGen allele CA337805709.
Genomic context (GRCh38, chr1:1,014,392, plus strand): 5'-CAGGACGACCTGTTCTGGCTGACCTTCGAGGGGAAGCCCCTGGAGGACCAGCTCCCGCTG[G>C]GGGAGTACGGCCTCAAGCCCCTGAGCACCGTGTTCATGAATCTGCGCCTGCGGGGAGGCG-3'
Protein context (NP_005092.1, residues 128-148): GKPLEDQLPL[Gly138Arg]EYGLKPLSTV